The following is an entry in ClinVar:

ClinVar aggregate classification (germline): Likely benign (1 of 4 stars; one submission).

Conditions:
SEMA3D-related disorder. Also called: SEMA3D-related condition.

Submission:

PreventionGenetics, part of Exact Sciences
Classification: Likely benign for SEMA3D-related condition. Last evaluated: 2025-04-23. Review status: criteria provided, single submitter. Criteria: ACMG Guidelines, 2015. Collection method: clinical testing. Allele origin: germline.
Comment: This variant is classified as likely benign based on ACMG/AMP sequence variant interpretation guidelines (Richards et al. 2015 PMID: 25741868, with internal and published modifications).

NM_001384900.1(SEMA3D):c.1392C>T (p.Tyr464=)

Gene: SEMA3D (semaphorin 3D; minus strand). Cytogenetic location: 7q21.11.
Variant type: single nucleotide variant.
Coding change: c.1392C>T on transcript NM_001384900.1 (MANE Select); coding-DNA position 1392, C replaced by T.
Protein change: p.Tyr464=; no amino-acid change (tyrosine 464 retained).
Molecular consequence: synonymous variant.
Genome position (GRCh38, 1-based): chr7:85,022,413, G>A on the plus strand (C>T on the coding strand, the complement: SEMA3D is on the minus strand). VCF-style: chr7-85022413-G-A. GRCh37 (hg19) VCF-style: chr7-84651729-G-A.
Other names: c.1392C>T, p.Tyr464= (NM_001384901.1, NM_001384902.1, NM_001384903.1 and 1 more transcripts).
Identifiers: ClinVar variation 4977793 (VCV004977793.1).